The following is an entry in ClinVar:

NM_022167.4(XYLT2):c.2089G>A (p.Val697Met)

Gene: XYLT2 (xylosyltransferase 2; plus strand). Cytogenetic location: 17q21.33.
Variant type: single nucleotide variant.
Coding change: c.2089G>A on transcript NM_022167.4 (MANE Select); coding-DNA position 2089, G replaced by A.
Protein change: p.Val697Met; replaces valine 697 with methionine.
Molecular consequence: missense variant.
Genome position (GRCh38, 1-based): chr17:50,358,354, G>A. VCF-style: chr17-50358354-G-A. GRCh37 (hg19) VCF-style: chr17-48435715-G-A.
Other names: short protein forms V697M.
Identifiers: ClinVar variation 1420067 (VCV001420067.6), dbSNP rs1210911054, ClinGen allele CA400213490.
Genomic context (GRCh38, chr17:50,358,354, plus strand): 5'-CGCTGGGCCCGGGGCCCCAACCTCACAGCCACAGTGGTCTGGATCGACCCAACCTATGTG[G>A]TGGCCACATCTTATGACATCACAGTAGATACGGAGACTGAGGTCACGCAATACAAGCCCC-3'
Protein context (NP_071450.2, residues 687-707): TVVWIDPTYV[Val697Met]ATSYDITVDT

ClinVar aggregate classification (germline): Uncertain significance. Review status: criteria provided, multiple submitters, no conflicts (2 of 4 stars). 2 submissions from 2 submitters: Uncertain significance (2). Last evaluated 2024-10-20.

Conditions:
Inborn genetic diseases. Identifiers: MedGen C0950123, MeSH D030342.

Allele frequency attached by ClinVar (database versions not stated): TOPMed below 0.00001; gnomAD 0.00001; gnomAD exomes 0.00001.
gnomAD v4.1: 9 of 1,614,084 alleles (0.00056%); highest among the groups gnomAD compares: Non-Finnish European, 0.00068%; no homozygotes.

Submissions (2):

Ambry Genetics
Classification: Uncertain significance for Inborn genetic diseases. Last evaluated: 2024-10-20. Review status: criteria provided, single submitter. Criteria: Ambry Variant Classification Scheme 2023. Collection method: clinical testing. Allele origin: germline.

Labcorp Genetics (formerly Invitae), Labcorp
Classification: Uncertain significance. Last evaluated: 2022-06-13. Review status: criteria provided, single submitter. Criteria: Invitae Variant Classification Sherloc (09022015). Collection method: clinical testing. Allele origin: germline.
Comment: This sequence change replaces valine, which is neutral and non-polar, with methionine, which is neutral and non-polar, at codon 697 of the XYLT2 protein (p.Val697Met). This variant is present in population databases (no rsID available, gnomAD 0.0009%). This variant has not been reported in the literature in individuals affected with XYLT2-related conditions. Algorithms developed to predict the effect of missense changes on protein structure and function are either unavailable or do not agree on the potential impact of this missense change (SIFT: "Tolerated"; PolyPhen-2: "Probably Damaging"; Align-GVGD: "Class C0"). In summary, the available evidence is currently insufficient to determine the role of this variant in disease. Therefore, it has been classified as a Variant of Uncertain Significance.